The following is an entry in ClinVar:

NM_003482.4(KMT2D):c.5523C>T (p.Ala1841=)

Gene: KMT2D (lysine methyltransferase 2D; minus strand). Cytogenetic location: 12q13.12.
Variant type: single nucleotide variant.
Coding change: c.5523C>T on transcript NM_003482.4 (MANE Select); coding-DNA position 5523, C replaced by T.
Protein change: p.Ala1841=; no amino-acid change (alanine 1841 retained).
Molecular consequence: synonymous variant.
Genome position (GRCh38, 1-based): chr12:49,043,373, G>A on the plus strand (C>T on the coding strand, the complement: KMT2D is on the minus strand). VCF-style: chr12-49043373-G-A. GRCh37 (hg19) VCF-style: chr12-49437156-G-A.
Other names: c.5523C>T (NM_003482.3).
Identifiers: ClinVar variation 1599512 (VCV001599512.10), dbSNP rs202165318, ClinGen allele CA6547521.

ClinVar aggregate classification (germline): Benign. Review status: criteria provided, single submitter (1 of 4 stars). 2 submissions from 2 submitters: Benign (1). 1 of the submissions does not count toward it. Last evaluated 2025-12-15.

Conditions:
Kabuki syndrome. Also called: NIIKAWA-KUROKI SYNDROME; Kabuki make-up syndrome. Identifiers: Orphanet 2322, MedGen C0796004, MONDO:0016512.
KMT2D-related disorder. Also called: KMT2D-Related Disorders.

Allele frequency attached by ClinVar (database versions not stated): ExAC 0.00017; 1000 Genomes Project 0.00060; gnomAD exomes 0.00012; ESP Exome Variant Server 0.00016; 1000 Genomes Project 30x 0.00062.
gnomAD v4.1: 152 of 1,613,918 alleles (0.0094%); highest among the groups gnomAD compares: African/African-American, 0.13%; no homozygotes.

Submissions (2):

Labcorp Genetics (formerly Invitae), Labcorp
Classification: Benign for Kabuki syndrome. Last evaluated: 2025-12-15. Review status: criteria provided, single submitter. Criteria: Invitae Variant Classification Sherloc (09022015). Collection method: clinical testing. Allele origin: germline.

PreventionGenetics, part of Exact Sciences
Classification: Likely benign for KMT2D-related condition. Last evaluated: 2019-07-09. Review status: no assertion criteria provided. Collection method: clinical testing. Allele origin: germline. Not counted in ClinVar's aggregate classification.
Comment: This variant is classified as likely benign based on ACMG/AMP sequence variant interpretation guidelines (Richards et al. 2015 PMID: 25741868, with internal and published modifications).